The following is an entry in ClinVar:

NM_005918.4(MDH2):c.617T>A (p.Ile206Asn)

Gene: MDH2 (malate dehydrogenase 2; plus strand). Cytogenetic location: 7q11.23.
Variant type: single nucleotide variant.
Coding change: c.617T>A on transcript NM_005918.4 (MANE Select); coding-DNA position 617, T replaced by A.
Protein change: p.Ile206Asn; replaces isoleucine 206 with asparagine.
Molecular consequence: missense variant.
Genome position (GRCh38, 1-based): chr7:76,063,576, T>A. VCF-style: chr7-76063576-T-A. GRCh37 (hg19) VCF-style: chr7-75692894-T-A.
Other names: c.491T>A, p.Ile164Asn (NM_001282403.2); c.296T>A, p.Ile99Asn (NM_001282404.2); c.617T>A (NM_005918.2); short protein forms I164N, I206N, I99N.
Identifiers: ClinVar variation 3622186 (VCV003622186.2).

ClinVar aggregate classification (germline): Uncertain significance. Review status: criteria provided, multiple submitters, no conflicts (2 of 4 stars). 2 submissions from 2 submitters: Uncertain significance (2). Last evaluated 2025-04-20.

Conditions:
Inborn genetic diseases. Identifiers: MedGen C0950123, MeSH D030342.

Submissions (2):

Ambry Genetics
Classification: Uncertain significance for Inborn genetic diseases. Last evaluated: 2025-04-20. Review status: criteria provided, single submitter. Criteria: Ambry Variant Classification Scheme 2023. Collection method: clinical testing. Allele origin: germline.

Labcorp Genetics (formerly Invitae), Labcorp
Classification: Uncertain significance. Last evaluated: 2024-10-31. Review status: criteria provided, single submitter. Criteria: Invitae Variant Classification Sherloc (09022015). Collection method: clinical testing. Allele origin: germline.
Comment: This sequence change replaces isoleucine, which is neutral and non-polar, with asparagine, which is neutral and polar, at codon 206 of the MDH2 protein (p.Ile206Asn). This variant is present in population databases (rs782030499, gnomAD 0.004%). This variant has not been reported in the literature in individuals affected with MDH2-related conditions. Invitae Evidence Modeling of protein sequence and biophysical properties (such as structural, functional, and spatial information, amino acid conservation, physicochemical variation, residue mobility, and thermodynamic stability) indicates that this missense variant is expected to disrupt MDH2 protein function with a positive predictive value of 80%. In summary, the available evidence is currently insufficient to determine the role of this variant in disease. Therefore, it has been classified as a Variant of Uncertain Significance.